The following is an entry in ClinVar:

NM_022489.4(INF2):c.3598G>A (p.Asp1200Asn)

Gene: INF2 (inverted formin 2; plus strand). Cytogenetic location: 14q32.33.
Variant type: single nucleotide variant.
Coding change: c.3598G>A on transcript NM_022489.4 (MANE Select); coding-DNA position 3598, G replaced by A.
Protein change: p.Asp1200Asn; replaces aspartic acid 1200 with asparagine.
Molecular consequence: missense variant.
Genome position (GRCh38, 1-based): chr14:104,714,760, G>A. VCF-style: chr14-104714760-G-A. GRCh37 (hg19) VCF-style: chr14-105181097-G-A.
Other names: c.3598G>A, p.Asp1200Asn (NM_001031714.4); short protein forms D1200N.
Identifiers: ClinVar variation 860061 (VCV000860061.13), dbSNP rs764338863, ClinGen allele CA7373314.

ClinVar aggregate classification (germline): Conflicting classifications of pathogenicity. Review status: criteria provided, conflicting classifications (1 of 4 stars). 4 submissions from 4 submitters: Uncertain significance (3); Likely benign (1). Last evaluated 2026-05-05.

Conditions:
INF2-related disorder. Also called: INF2-related condition.
Charcot-Marie-Tooth disease dominant intermediate E. Also called: CHARCOT-MARIE-TOOTH NEUROPATHY WITH FOCAL SEGMENTAL GLOMERULONEPHRITIS. Identifiers: Orphanet 93114, MedGen C4302667, MONDO:0013758, OMIM 614455.
Focal segmental glomerulosclerosis 5 (FSGS5). Identifiers: Orphanet 656, MedGen C2750475, MONDO:0013191, OMIM 613237.
Inborn genetic diseases. Identifiers: MedGen C0950123, MeSH D030342.

Allele frequency attached by ClinVar (database versions not stated): TOPMed 0.00004; gnomAD 0.00005.
gnomAD v4.1: 59 of 1,599,530 alleles (0.0037%); highest among the groups gnomAD compares: East Asian, 0.0067%; no homozygotes.

Submissions (4):

PreventionGenetics, part of Exact Sciences
Classification: Uncertain significance for INF2-related condition. Last evaluated: 2026-05-05. Review status: criteria provided, single submitter. Criteria: ACMG Guidelines, 2015. Collection method: clinical testing. Allele origin: germline.
Comment: The INF2 c.3598G>A variant is predicted to result in the amino acid substitution p.Asp1200Asn. To our knowledge, this variant has not been reported in the literature. This variant is reported in 0.0034% of alleles in individuals of European (non-Finnish) descent in gnomAD. At this time, the clinical significance of this variant is uncertain due to the absence of conclusive functional and genetic evidence.

Labcorp Genetics (formerly Invitae), Labcorp
Classification: Likely benign for Charcot-Marie-Tooth disease dominant intermediate E; Focal segmental glomerulosclerosis 5. Last evaluated: 2024-09-21. Review status: criteria provided, single submitter. Criteria: Invitae Variant Classification Sherloc (09022015). Collection method: clinical testing. Allele origin: germline.

Fulgent Genetics
Classification: Uncertain significance for Focal segmental glomerulosclerosis 5; Charcot-Marie-Tooth disease dominant intermediate E. Last evaluated: 2024-04-03. Review status: criteria provided, single submitter. Criteria: ACMG Guidelines, 2015. Collection method: clinical testing. Allele origin: germline.

Ambry Genetics
Classification: Uncertain significance for Inborn genetic diseases. Last evaluated: 2023-04-07. Review status: criteria provided, single submitter. Criteria: Ambry Variant Classification Scheme 2023. Collection method: clinical testing. Allele origin: germline.